The following is an entry in ClinVar:

NM_005754.3(G3BP1):c.1310G>T (p.Gly437Val)

Gene: G3BP1 (G3BP stress granule assembly factor 1; plus strand). Cytogenetic location: 5q33.1.
Variant type: single nucleotide variant.
Coding change: c.1310G>T on transcript NM_005754.3 (MANE Select); coding-DNA position 1310, G replaced by T.
Protein change: p.Gly437Val; replaces glycine 437 with valine.
Molecular consequence: missense variant.
Genome position (GRCh38, 1-based): chr5:151,804,000, G>T. VCF-style: chr5-151804000-G-T. GRCh37 (hg19) VCF-style: chr5-151183561-G-T.
Other names: c.1310G>T, p.Gly437Val (NM_198395.2); short protein forms G437V.
Identifiers: ClinVar variation 3392857 (VCV003392857.1).
Genomic context (GRCh38, chr5:151,804,000, plus strand): 5'-CTGCCAGGGAAGGCGACCGACGAGATAATCGCCTTCGGGGACCTGGAGGCCCTCGAGGTG[G>T]GCTGGGTGGTGGAATGAGAGGCCCTCCCCGTGGAGGCATGGTGCAGAAACCAGGATTTGG-3'
Protein context (NP_005745.1, residues 427-447): RLRGPGGPRG[Gly437Val]LGGGMRGPPR

ClinVar aggregate classification (germline): Uncertain significance (1 of 4 stars; one submission).

gnomAD v4.1: 1 of 1,613,786 alleles (0.000062%); highest among the groups gnomAD compares: Non-Finnish European, 0.000085%; no homozygotes.

Submission:

GeneDx
Classification: Uncertain significance. Last evaluated: 2024-06-26. Review status: criteria provided, single submitter. Criteria: GeneDx Variant Classification Process June 2021. Collection method: clinical testing. Allele origin: germline. Affected: yes.
Comment: Not observed at significant frequency in large population cohorts (gnomAD); In silico analysis supports that this missense variant has a deleterious effect on protein structure/function; Has not been previously published as pathogenic or benign to our knowledge